The following is an entry in ClinVar:

ClinVar aggregate classification (germline): Uncertain significance (1 of 4 stars; one submission).

Conditions:
Alagille syndrome due to a JAG1 point mutation. Also called: HEPATIC DUCTULAR HYPOPLASIA, SYNDROMATIC; Alagille Syndrome 1; JAG1-Related Alagille Syndrome. Identifiers: Orphanet 261619, Orphanet 52, MedGen C1956125, MONDO:0016862, OMIM 118450.

Submission:

Labcorp Genetics (formerly Invitae), Labcorp
Classification: Uncertain significance for Alagille syndrome due to a JAG1 point mutation. Last evaluated: 2025-07-03. Review status: criteria provided, single submitter. Criteria: Invitae Variant Classification Sherloc (09022015). Collection method: clinical testing. Allele origin: germline.
Comment: This sequence change replaces aspartic acid, which is acidic and polar, with glycine, which is neutral and non-polar, at codon 576 of the JAG1 protein (p.Asp576Gly). This variant is not present in population databases (gnomAD no frequency). This variant has not been reported in the literature in individuals affected with JAG1-related conditions. Invitae Evidence Modeling of protein sequence and biophysical properties (such as structural, functional, and spatial information, amino acid conservation, physicochemical variation, residue mobility, and thermodynamic stability) has been performed for this missense variant. However, the output from this modeling did not meet the statistical confidence thresholds required to predict the impact of this variant on JAG1 protein function. In summary, the available evidence is currently insufficient to determine the role of this variant in disease. Therefore, it has been classified as a Variant of Uncertain Significance.

NM_000214.3(JAG1):c.1727A>G (p.Asp576Gly)

Gene: JAG1 (jagged canonical Notch ligand 1; minus strand). Cytogenetic location: 20p12.2.
Variant type: single nucleotide variant.
Coding change: c.1727A>G on transcript NM_000214.3 (MANE Select); coding-DNA position 1727, A replaced by G.
Protein change: p.Asp576Gly; replaces aspartic acid 576 with glycine.
Molecular consequence: missense variant.
Genome position (GRCh38, 1-based): chr20:10,647,097, T>C on the plus strand (A>G on the coding strand, the complement: JAG1 is on the minus strand). VCF-style: chr20-10647097-T-C. GRCh37 (hg19) VCF-style: chr20-10627745-T-C.
Other names: short protein forms D576G.
Identifiers: ClinVar variation 4746332 (VCV004746332.1).